The following is an entry in ClinVar:

NM_001145715.3(KPNA7):c.786C>A (p.Cys262Ter)

Gene: KPNA7 (karyopherin subunit alpha 7; minus strand). Cytogenetic location: 7q22.1.
Variant type: single nucleotide variant.
Coding change: c.786C>A on transcript NM_001145715.3 (MANE Select); coding-DNA position 786, C replaced by A.
Protein change: p.Cys262Ter; replaces cysteine 262 with a stop codon.
Molecular consequence: nonsense.
Genome position (GRCh38, 1-based): chr7:99,188,414, G>T on the plus strand (C>A on the coding strand, the complement: KPNA7 is on the minus strand). VCF-style: chr7-99188414-G-T. GRCh37 (hg19) VCF-style: chr7-98786037-G-T.
Other names: short protein forms C262*.
Identifiers: ClinVar variation 1059416 (VCV001059416.4), dbSNP rs756982898, ClinGen allele CA4363194.

ClinVar aggregate classification (germline): Uncertain significance (1 of 4 stars; one submission).

Allele frequency attached by ClinVar (database versions not stated): gnomAD exomes 0.00004; ExAC 0.00005; TOPMed 0.00005; gnomAD 0.00007 and 0.00008.
gnomAD v4.1: 300 of 1,551,534 alleles (0.019%); highest among the groups gnomAD compares: Non-Finnish European, 0.025%; no homozygotes.

Submission:

Labcorp Genetics (formerly Invitae), Labcorp
Classification: Uncertain significance. Last evaluated: 2022-10-17. Review status: criteria provided, single submitter. Criteria: Invitae Variant Classification Sherloc (09022015). Collection method: clinical testing. Allele origin: germline.
Comment: This sequence change creates a premature translational stop signal (p.Cys262*) in the KPNA7 gene. It is expected to result in an absent or disrupted protein product. However, the current clinical and genetic evidence is not sufficient to establish whether loss-of-function variants in KPNA7 cause disease. This variant is present in population databases (rs756982898, gnomAD 0.01%). This variant has not been reported in the literature in individuals affected with KPNA7-related conditions. ClinVar contains an entry for this variant (Variation ID: 1059416). In summary, the available evidence is currently insufficient to determine the role of this variant in disease. Therefore, it has been classified as a Variant of Uncertain Significance.